The following is an entry in ClinVar:

NM_005751.5(AKAP9):c.3430T>C (p.Cys1144Arg)

Gene: AKAP9 (A-kinase anchoring protein 9; plus strand). Cytogenetic location: 7q21.2.
Variant type: single nucleotide variant.
Coding change: c.3430T>C on transcript NM_005751.5 (MANE Select); coding-DNA position 3430, T replaced by C.
Protein change: p.Cys1144Arg; replaces cysteine 1144 with arginine.
Molecular consequence: missense variant.
Genome position (GRCh38, 1-based): chr7:92,012,540, T>C. VCF-style: chr7-92012540-T-C. GRCh37 (hg19) VCF-style: chr7-91641854-T-C.
Other names: c.3430T>C, p.Cys1144Arg (NM_147185.3); short protein forms C1144R.
Identifiers: ClinVar variation 240252 (VCV000240252.25), dbSNP rs141039834, ClinGen allele CA4336305.

ClinVar aggregate classification (germline): Likely benign. Review status: criteria provided, multiple submitters, no conflicts (2 of 4 stars). 6 submissions from 6 submitters: Likely benign (5). 1 of the submissions does not count toward it. Last evaluated 2025-12-31.

Conditions:
AKAP9-related disorder. Also called: AKAP9-related condition.
Cardiovascular phenotype. Identifiers: MedGen CN230736.
Ventricular tachycardia. Identifiers: MedGen C0042514, MONDO:0005477, HP:0004756.
Long QT syndrome (LQTS). Identifiers: MedGen C0023976, MeSH D008133, MONDO:0002442. Disease mechanism: loss of function. Inheritance: Various modes of inheritance.

Allele frequency attached by ClinVar (database versions not stated): gnomAD exomes 0.00010 and 0.00049; gnomAD 0.00040 and 0.00044; ExAC 0.00044; ESP Exome Variant Server 0.00046; TOPMed 0.00056; 1000 Genomes Project 30x 0.00109; 1000 Genomes Project 0.00140.
gnomAD v4.1: 287 of 1,613,908 alleles (0.018%); highest among the groups gnomAD compares: East Asian, 0.25%; 5 homozygotes.

Submissions (6):

Labcorp Genetics (formerly Invitae), Labcorp
Classification: Likely benign for Long QT syndrome. Last evaluated: 2025-12-31. Review status: criteria provided, single submitter. Criteria: Invitae Variant Classification Sherloc (09022015). Collection method: clinical testing. Allele origin: germline.

Women's Health and Genetics/Laboratory Corporation of America, LabCorp
Classification: Likely benign. Last evaluated: 2024-12-13. Review status: criteria provided, single submitter. Criteria: LabCorp Variant Classification Summary - May 2015. Collection method: clinical testing. Allele origin: germline.

Blueprint Genetics
Classification: Likely benign. Last evaluated: 2024-10-14. Review status: criteria provided, single submitter. Criteria: ACMG Guidelines, 2015. Collection method: clinical testing. Allele origin: germline.

Ambry Genetics
Classification: Likely benign for Cardiovascular phenotype. Last evaluated: 2019-07-27. Review status: criteria provided, single submitter. Criteria: Ambry Variant Classification Scheme 2023. Collection method: clinical testing. Allele origin: germline.

Center for Advanced Laboratory Medicine, UC San Diego Health, University of California San Diego
Classification: Likely benign for Ventricular tachycardia. Last evaluated: 2019-04-01. Review status: criteria provided, single submitter. Criteria: ACMG Guidelines, 2015. Collection method: clinical testing. Allele origin: germline. Affected: yes. Observed: 1 variant allele.

PreventionGenetics, part of Exact Sciences
Classification: Likely benign for AKAP9-related condition. Last evaluated: 2024-02-12. Review status: no assertion criteria provided. Collection method: clinical testing. Allele origin: germline. Not counted in ClinVar's aggregate classification.
Comment: This variant is classified as likely benign based on ACMG/AMP sequence variant interpretation guidelines (Richards et al. 2015 PMID: 25741868, with internal and published modifications).